The following is an entry in ClinVar:

ClinVar aggregate classification (germline): Likely benign (0 of 4 stars; one submission).

Conditions:
KSR2-related disorder. Also called: KSR2-related condition.

Allele frequency attached by ClinVar (database versions not stated): gnomAD exomes 0.00001; ExAC 0.00002.
gnomAD v4.1: 6 of 706,040 alleles (0.00085%); highest among the groups gnomAD compares: South Asian, 0.0075%; no homozygotes.

Submission:

PreventionGenetics, part of Exact Sciences
Classification: Likely benign for KSR2-related condition. Last evaluated: 2024-01-04. Review status: no assertion criteria provided. Collection method: clinical testing. Allele origin: germline.
Comment: This variant is classified as likely benign based on ACMG/AMP sequence variant interpretation guidelines (Richards et al. 2015 PMID: 25741868, with internal and published modifications).

NM_173598.6(KSR2):c.180+3A>G

Gene: KSR2 (kinase suppressor of ras 2; minus strand). Cytogenetic location: 12q24.23.
Variant type: single nucleotide variant.
Coding change: c.180+3A>G on transcript NM_173598.6 (MANE Select); 3 bases into the intron after coding-DNA position 180, A replaced by G.
Molecular consequence: intron variant.
Genome position (GRCh38, 1-based): chr12:117,968,073, T>C on the plus strand (A>G on the coding strand, the complement: KSR2 is on the minus strand). VCF-style: chr12-117968073-T-C. GRCh37 (hg19) VCF-style: chr12-118405878-T-C.
Identifiers: ClinVar variation 3043519 (VCV003043519.2), dbSNP rs770974976, ClinGen allele CA6816446.